The following is an entry in ClinVar:

NM_001134407.3(GRIN2A):c.415-16105G>A

Gene: GRIN2A (glutamate ionotropic receptor NMDA type subunit 2A; minus strand). Cytogenetic location: 16p13.2.
Variant type: single nucleotide variant.
Coding change: c.415-16105G>A on transcript NM_001134407.3 (MANE Select); 16105 bases into the intron before coding-DNA position 415, G replaced by A.
Molecular consequence: intron variant.
Genome position (GRCh38, 1-based): chr16:9,954,656, C>T on the plus strand (G>A on the coding strand, the complement: GRIN2A is on the minus strand). VCF-style: chr16-9954656-C-T. GRCh37 (hg19) VCF-style: chr16-10048513-C-T.
Other names: c.415-16105G>A (NM_001134408.2, NM_000833.5).
Identifiers: ClinVar variation 4855730 (VCV004855730.1).

ClinVar aggregate classification (germline): Uncertain significance (1 of 4 stars; one submission).

Conditions:
Landau-Kleffner syndrome (FESD). Also called: EPILEPSY, FOCAL, WITH SPEECH DISORDER AND WITH OR WITHOUT MENTAL RETARDATION; APHASIA, ACQUIRED, WITH EPILEPSY. Identifiers: Orphanet 1945, Orphanet 725, Orphanet 98818, MedGen C0282512, MONDO:0009509, OMIM 245570.

Submission:

3billion
Classification: Uncertain significance for Landau-Kleffner syndrome. Last evaluated: 2025-11-05. Review status: criteria provided, single submitter. Criteria: ACMG Guidelines, 2015. Collection method: clinical testing. Allele origin: germline. Affected: yes.
Comment: The variant is not observed in the gnomAD v4.1.0 dataset. Predicted Consequence/Location: Intron variant In silico tools provide an uncertain prediction regarding the variant's potential to alter splicing and produce an abnormal transcript [SpliceAI: 0.10 (spliceogenicity >=0.2, non-spliceogenicity <0.1)]. Therefore, this variant is classified as VUS according to the recommendation of ACMG/AMP guideline.